The following is an entry in ClinVar:

NM_001267550.2(TTN):c.76654C>T (p.Arg25552Ter)

Genes: TTN (titin; minus strand), TTN-AS1 (TTN antisense RNA 1; plus strand). Cytogenetic location: 2q31.2.
Variant type: single nucleotide variant.
Coding change: c.76654C>T on transcript NM_001267550.2 (MANE Select); coding-DNA position 76654, C replaced by T.
Protein change: p.Arg25552Ter; replaces arginine 25552 with a stop codon.
Molecular consequence: nonsense.
Genome position (GRCh38, 1-based): chr2:178,569,478, G>A on the plus strand (C>T on the coding strand, the complement: TTN is on the minus strand). VCF-style: chr2-178569478-G-A. GRCh37 (hg19) VCF-style: chr2-179434205-G-A.
Other names: p.(Arg25552Ter); c.71731C>T, p.Arg23911Ter (NM_001256850.1); c.49459C>T, p.Arg16487Ter (NM_003319.4); c.68950C>T, p.Arg22984Ter (NM_133378.4); c.49834C>T, p.Arg16612Ter (NM_133432.3); c.50035C>T, p.Arg16679Ter (NM_133437.4); c.76654C>T (LRG_391t1); short protein forms R25552*, R22984*, R16487*, R16679*, R16612*, R23911*.
Identifiers: ClinVar variation 404828 (VCV000404828.21), dbSNP rs545954490, ClinGen allele CA1989877.
Genomic context (GRCh38, chr2:178,569,478, plus strand): 5'-TGACATTGTCAAGAACAAGAGAGGTGAAACTGCTAGTGACATCAATTATAGCTGCATCTC[G>A]GATTTCACCATCCACCTTTCCCCATTTAACTTCTGGTGTAGGACGACCTTTTATAGGAAC-3'

ClinVar aggregate classification (germline): Pathogenic/Likely pathogenic. Review status: criteria provided, multiple submitters, no conflicts (2 of 4 stars). 7 submissions from 7 submitters: Pathogenic (3); Likely pathogenic (4). Last evaluated 2025-10-01.

Conditions:
Dilated cardiomyopathy 1G (CMD1G). Identifiers: Orphanet 154, MedGen C1858763, MONDO:0011400, OMIM 604145.
Tibial muscular dystrophy (TMD). Also called: UDD MYOPATHY; Tibial muscular dystrophy, tardive; Udd Distal Myopathy – Tibial Muscular Dystrophy. Identifiers: Orphanet 609, MedGen C1838244, MONDO:0010870, OMIM 600334.
Hypertrophic cardiomyopathy 9. Also called: Familial hypertrophic cardiomyopathy 9. Identifiers: MedGen C1861065, MONDO:0013412, OMIM 613765.
Autosomal recessive limb-girdle muscular dystrophy type 2J (LGMDR10). Also called: Limb-girdle muscular dystrophy, type 2J; MUSCULAR DYSTROPHY, LIMB-GIRDLE, AUTOSOMAL RECESSIVE 10. Identifiers: Orphanet 140922, MedGen C1837342, MONDO:0012127, OMIM 608807.
Myopathy, myofibrillar, 9, with early respiratory failure (MFM9). Also called: MYOPATHY, PROXIMAL, WITH EARLY RESPIRATORY MUSCLE INVOLVEMENT; Hereditary myopathy with early respiratory failure; EDSTROM MYOPATHY; Myopathy, distal, with early respiratory failure, autosomal dominant. Identifiers: Orphanet 178464, Orphanet 34521, MedGen C1863599, MONDO:0011362, OMIM 603689.
Early-onset myopathy with fatal cardiomyopathy (CMYO5). Also called: Salih Myopathy; CONGENITAL MYOPATHY 5 WITH CARDIOMYOPATHY. Identifiers: Orphanet 289377, MedGen C2673677, MONDO:0012714, OMIM 611705. Disease mechanism: loss of function.
TTN-related disorder. Also called: TTN-related condition; TTN-related disease; TTN-related disorders.
Cardiovascular phenotype. Identifiers: MedGen CN230736.

Allele frequency attached by ClinVar (database versions not stated): ExAC 0.00001; gnomAD 0.00001; gnomAD exomes below 0.00001; TOPMed 0.00001; 1000 Genomes Project 30x 0.00016; 1000 Genomes Project 0.00020.
gnomAD v4.1: 6 of 1,612,640 alleles (0.00037%); highest among the groups gnomAD compares: East Asian, 0.0022%; no homozygotes.

Submissions (7):

Labcorp Genetics (formerly Invitae), Labcorp
Classification: Pathogenic for Dilated cardiomyopathy 1G; Autosomal recessive limb-girdle muscular dystrophy type 2J. Last evaluated: 2025-10-01. Review status: criteria provided, single submitter. Criteria: Invitae Variant Classification Sherloc (09022015). Collection method: clinical testing. Allele origin: germline.
Comment: This sequence change creates a premature translational stop signal (p.Arg25552*) in the TTN gene. While this is not anticipated to result in nonsense mediated decay, it is expected to create a truncated TTN protein. This variant is present in population databases (rs545954490, gnomAD 0.006%). This premature translational stop signal has been observed in individuals with clinical features of dilated cardiomyopathy (PMID: 30847666; internal data). It has also been observed to segregate with disease in related individuals. This variant is also known as p.Arg22984*. ClinVar contains an entry for this variant (Variation ID: 404828). This variant is located in the A band of TTN (PMID: 25589632). Truncating variants in this region are significantly overrepresented in patients affected with dilated cardiomyopathy (PMID: 25589632). Truncating variants in this region have also been reported in individuals affected with autosomal recessive centronuclear myopathy (PMID: 23975875). For these reasons, this variant has been classified as Pathogenic.

Ambry Genetics
Classification: Likely pathogenic for Cardiovascular phenotype. Last evaluated: 2025-04-21. Review status: criteria provided, single submitter. Criteria: Ambry Variant Classification Scheme 2023. Collection method: clinical testing. Allele origin: germline.
Comment: The p.R16487* variant (also known as c.49459C>T), located in coding exon 153 of the TTN gene, results from a C to T substitution at nucleotide position 49459. This changes the amino acid from an arginine to a stop codon within coding exon 153. This exon is located in the A-band region of the N2-B isoform of the titin protein and is constitutively expressed in TTN transcripts (percent spliced in or PSI 100%). This variant (also referred to as NM_133378.4:c.68950C>T, p.Arg22984* and NM_001256850.1:c.71731C>T, p.Arg23911Ter) has been detected in an individual with unspecified cardiomyopathy, and in an individual with idiopathic dilated cardiomyopathy (van Lint FHM et al. Neth Heart J, 2019 Jun;27:304-309; Trachoo O et al. PLoS One. 2022 Sep;17(9):e0267770). This variant is considered to be rare based on population cohorts in the Genome Aggregation Database (gnomAD). This variant is expected to result in loss of function by premature protein truncation or nonsense-mediated mRNA decay. While truncating variants in TTN are present in 1-3% of the general population, truncating variants in the A-band are the most common cause of dilated cardiomyopathy (Herman DS et al. N. Engl. J. Med., 2012 Feb;366:619-28; Roberts AM et al. Sci Transl Med, 2015 Jan;7:270ra6). TTN truncating variants encoded in constitutive exons (PSI >90%) have been found to be significantly associated with DCM regardless of their position in titin (Schafer S et al. Nat. Genet., 2017 01;49:46-53; Akhtar MM et al. Circ Heart Fail, 2020 Oct;13:e006832; Massier M et al. Clin Genet, 2025 Jan). Based on the majority of available evidence to date, this variant is likely to be pathogenic.

Victorian Clinical Genetics Services, Murdoch Childrens Research Institute
Classification: Pathogenic for Dilated cardiomyopathy 1G. Last evaluated: 2024-11-12. Review status: criteria provided, single submitter. Criteria: ACMG Guidelines, 2015. Collection method: clinical testing. Allele origin: germline. Affected: yes.
Comment: This variant is classified as Pathogenic. Evidence in support of pathogenic classification: Variant is predicted to cause nonsense-mediated decay (NMD) and loss of protein (premature termination codon is located at least 54 nucleotides upstream of the final exon-exon junction); Variant is present in gnomAD <0.001 for a dominant condition (v4: 6 heterozygote(s), 0 homozygote(s)); This variant has strong previous evidence of pathogenicity in unrelated individuals. This variant has been classified as likely pathogenic or pathogenic by clinical laboratories in ClinVar, and has been reported in the literature in individuals with cardiomyopathy (PMIDs: 30847666, 36166435); Other NMD-predicted variants comparable to the one identified in this case have strong previous evidence for pathogenicity (ClinVar). Additional information: This variant is heterozygous; This gene is associated with both recessive and dominant disease (OMIM); Variant is located in the annotated A-band and the exon has a PSI score of 100% (PMID: 25589632); Loss of function is known mechanism of disease in this gene. In addition, dominant-negative is also a suggested mechanism. (PMID: 25589632); The condition associated with this gene has incomplete penetrance. Variants in this gene that result in a premature truncating codon (PTC) are known to have reduced penetrance in DCM (PMID: 25589632); Inheritance information for this variant is not currently available in this individual.

MVZ Medizinische Genetik Mainz
Classification: Likely pathogenic for Dilated cardiomyopathy 1G. Last evaluated: 2024-09-25. Review status: criteria provided, single submitter. Criteria: UK Practice Guidelines For Variant Classification V4 01 2020. Collection method: clinical testing. Allele origin: germline. Inheritance: Autosomal dominant inheritance. Affected: yes. Observed: 1 variant allele.
Comment: ACMG Criteria: PVS1,PM2_SUP

Clinical Genomics Laboratory, Stanford Medicine
Classification: Likely pathogenic for Dilated cardiomyopathy 1G. Last evaluated: 2023-01-01. Review status: criteria provided, single submitter. Criteria: ACMG Guidelines, 2015. Collection method: clinical testing. Allele origin: germline. Inheritance: Autosomal dominant inheritance. Observed: 1 variant allele, 1 heterozygote.
Comment: The p.Arg25552* variant in the TTN gene has been previously reported in an individual with unspecified cardiomyopathy (PMID: 30847666) and in two individuals from a population-based biobank with heart failure or dilated cardiomyopathy phenotypes (PMID: 35177841). This variant is also referred to as p. Arg22984* (NM_133378.4). This variant has been identified in 1/17,816 East Asian chromosomes (1/247,864 chromosomes overall) by the Genome Aggregation Database. This variant is present in ClinVar (Accession: VCV000404828.18). This variant leads to a premature stop codon in exon 326 of 363 exons, which may cause loss of normal protein function through either protein truncation or nonsense-mediated decay. This variant is located in the A-band of the titin protein. Loss-of-function variants in the A-band have an established association with dilated cardiomyopathy (PMID: 32160020). These data were assessed using the ACMG/AMP variant interpretation guidelines. In summary, there is sufficient evidence to classify the p.Arg25552* variant as likely pathogenic for autosomal dominant dilated cardiomyopathy based on the information above. [ACMG evidence codes used: PVS1_Strong; PM2; PS4_Supporting]

Blueprint Genetics
Classification: Pathogenic for TTN-related disorders. Last evaluated: 2022-02-24. Review status: criteria provided, single submitter. Criteria: ACMG Guidelines, 2015. Collection method: clinical testing. Allele origin: germline. Affected: yes. Observed: 2 variant alleles.

Fulgent Genetics
Classification: Likely pathogenic for Tibial muscular dystrophy; Myopathy, myofibrillar, 9, with early respiratory failure; Dilated cardiomyopathy 1G; Autosomal recessive limb-girdle muscular dystrophy type 2J; Early-onset myopathy with fatal cardiomyopathy; Hypertrophic cardiomyopathy 9. Last evaluated: 2021-11-02. Review status: criteria provided, single submitter. Criteria: ACMG Guidelines, 2015. Collection method: clinical testing. Allele origin: unknown.

Literature cited by the submitters: PubMed 30847666 (cited by 4 submitters); PubMed 25589632 (cited by Labcorp Genetics (formerly Invitae), Labcorp and Victorian Clinical Genetics Services, Murdoch Childrens Research Institute); PubMed 23975875 (cited by Labcorp Genetics (formerly Invitae), Labcorp); PubMed 36166435 (cited by Ambry Genetics and Victorian Clinical Genetics Services, Murdoch Childrens Research Institute); PubMed 35177841 (cited by Clinical Genomics Laboratory, Stanford Medicine); PubMed 32160020 (cited by Clinical Genomics Laboratory, Stanford Medicine).